The following is an entry in ClinVar:

NM_152296.5(ATP1A3):c.2029G>A (p.Glu677Lys)

Gene: ATP1A3 (ATPase Na+/K+ transporting subunit alpha 3; minus strand). Cytogenetic location: 19q13.2.
Variant type: single nucleotide variant.
Coding change: c.2029G>A on transcript NM_152296.5 (MANE Select); coding-DNA position 2029, G replaced by A.
Protein change: p.Glu677Lys; replaces glutamic acid 677 with lysine.
Molecular consequence: missense variant.
Genome position (GRCh38, 1-based): chr19:41,976,481, C>T on the plus strand (G>A on the coding strand, the complement: ATP1A3 is on the minus strand). VCF-style: chr19-41976481-C-T. GRCh37 (hg19) VCF-style: chr19-42480633-C-T.
Other names: c.2062G>A, p.Glu688Lys (NM_001256213.2); c.2068G>A, p.Glu690Lys (NM_001256214.2); short protein forms E677K, E688K, E690K.
Identifiers: ClinVar variation 2505900 (VCV002505900.2), dbSNP rs868985739, ClinGen allele CA406042970.

ClinVar aggregate classification (germline): Likely pathogenic (1 of 4 stars; one submission).

Submission:

GeneDx
Classification: Likely pathogenic. Last evaluated: 2025-03-03. Review status: criteria provided, single submitter. Criteria: GeneDx Variant Classification Process June 2021. Collection method: clinical testing. Allele origin: germline. Affected: yes.
Comment: Not observed at significant frequency in large population cohorts (gnomAD); In silico analysis supports that this missense variant has a deleterious effect on protein structure/function; Has not been previously published as pathogenic or benign to our knowledge